The following is an entry in ClinVar:

ClinVar aggregate classification (germline): Uncertain significance (1 of 4 stars; one submission).

Conditions:
Werner syndrome (WRN). Identifiers: Orphanet 902, MedGen C0043119, MONDO:0010196, OMIM 277700.

Submission:

Labcorp Genetics (formerly Invitae), Labcorp
Classification: Uncertain significance for Werner syndrome. Last evaluated: 2018-12-15. Review status: criteria provided, single submitter. Criteria: Invitae Variant Classification Sherloc (09022015). Collection method: clinical testing. Allele origin: germline.
Comment: In summary, the available evidence is currently insufficient to determine the role of this variant in disease. Therefore, it has been classified as a Variant of Uncertain Significance. This sequence change replaces leucine with tryptophan at codon 155 of the WRN protein (p.Leu155Trp). The leucine residue is highly conserved and there is a small physicochemical difference between leucine and tryptophan. This variant is not present in population databases (ExAC no frequency). This variant has not been reported in the literature in individuals with WRN-related conditions. Algorithms developed to predict the effect of missense changes on protein structure and function are either unavailable or do not agree on the potential impact of this missense change (SIFT: "Deleterious"; PolyPhen-2: "Probably Damaging"; Align-GVGD: "Class C0").

NM_000553.6(WRN):c.464T>G (p.Leu155Trp)

Gene: WRN (WRN RecQ like helicase; plus strand). Cytogenetic location: 8p12.
Variant type: single nucleotide variant.
Coding change: c.464T>G on transcript NM_000553.6 (MANE Select); coding-DNA position 464, T replaced by G.
Protein change: p.Leu155Trp; replaces leucine 155 with tryptophan.
Molecular consequence: missense variant.
Genome position (GRCh38, 1-based): chr8:31,065,023, T>G. VCF-style: chr8-31065023-T-G. GRCh37 (hg19) VCF-style: chr8-30922539-T-G.
Other names: short protein forms L155W.
Identifiers: ClinVar variation 648124 (VCV000648124.4), dbSNP rs1585409238, ClinGen allele CA370914953.